The following is an entry in ClinVar:

NM_005591.4(MRE11):c.392A>T (p.Asp131Val)

Gene: MRE11 (MRE11 double strand break repair nuclease; minus strand). Cytogenetic location: 11q21.
Variant type: single nucleotide variant.
Coding change: c.392A>T on transcript NM_005591.4 (MANE Select); coding-DNA position 392, A replaced by T.
Protein change: p.Asp131Val; replaces aspartic acid 131 with valine.
Molecular consequence: missense variant.
Genome position (GRCh38, 1-based): chr11:94,479,684, T>A on the plus strand (A>T on the coding strand, the complement: MRE11 is on the minus strand). VCF-style: chr11-94479684-T-A. GRCh37 (hg19) VCF-style: chr11-94212850-T-A.
Other names: c.392A>T, p.Asp131Val (NM_001330347.2, NM_005590.4); short protein forms D131V.
Identifiers: ClinVar variation 3912880 (VCV003912880.1).

ClinVar aggregate classification (germline): Uncertain significance (1 of 4 stars; one submission).

Conditions:
Hereditary cancer-predisposing syndrome. Also called: Hereditary Cancer Syndrome; Hereditary neoplastic syndrome; Neoplastic Syndromes, Hereditary; Tumor predisposition. Identifiers: Orphanet 140162, MedGen C0027672, MeSH D009386, MONDO:0015356.

Submission:

Ambry Genetics
Classification: Uncertain significance for Hereditary cancer-predisposing syndrome. Last evaluated: 2025-05-02. Review status: criteria provided, single submitter. Criteria: Ambry Variant Classification Scheme 2023. Collection method: clinical testing. Allele origin: germline.
Comment: The p.D131V variant (also known as c.392A>T), located in coding exon 4 of the MRE11A gene, results from an A to T substitution at nucleotide position 392. The aspartic acid at codon 131 is replaced by valine, an amino acid with highly dissimilar properties. This amino acid position is conserved. In addition, this alteration is predicted to be deleterious by in silico analysis. Based on the available evidence, the clinical significance of this variant remains unclear.